The following is an entry in ClinVar:

NM_002739.5(PRKCG):c.*428C>G

Gene: PRKCG (protein kinase C gamma; plus strand). Cytogenetic location: 19q13.42.
Variant type: single nucleotide variant.
Coding change: c.*428C>G on transcript NM_002739.5 (MANE Select); 428 bases downstream of the stop codon, C replaced by G.
Molecular consequence: 3 prime UTR variant.
Genome position (GRCh38, 1-based): chr19:53,907,323, C>G. VCF-style: chr19-53907323-C-G. GRCh37 (hg19) VCF-style: chr19-54410577-C-G.
Other names: c.*428C>G (LRG_669t1); c.*287C>G (NM_001316329.2).
Identifiers: ClinVar variation 330080 (VCV000330080.6), dbSNP rs57483118, ClinGen allele CA10652765.

ClinVar aggregate classification (germline): Benign. Review status: criteria provided, multiple submitters, no conflicts (2 of 4 stars). 2 submissions from 2 submitters: Benign (2). Last evaluated 2018-01-12.

Conditions:
Spinocerebellar ataxia type 14 (SCA14). Identifiers: Orphanet 98763, MedGen C1854369, MONDO:0011540, OMIM 605361.

Allele frequency attached by ClinVar (database versions not stated): gnomAD exomes 0.00764; 1000 Genomes Project 0.05671; gnomAD 0.06034; 1000 Genomes Project 30x 0.06121; TOPMed 0.06380.
gnomAD v4.1: 9,384 of 268,254 alleles (3.5%); highest among the groups gnomAD compares: African/African-American, 19%; 822 homozygotes.

Submissions (2):

Illumina Laboratory Services, Illumina
Classification: Benign for Spinocerebellar ataxia type 14. Last evaluated: 2018-01-12. Review status: criteria provided, single submitter. Criteria: ICSL Variant Classification Criteria 13 December 2019. Collection method: clinical testing. Allele origin: germline.
Comment: This variant was observed in the ICSL laboratory as part of a predisposition screen in an ostensibly healthy population. It had not been previously curated by ICSL or reported in the Human Gene Mutation Database (HGMD: prior to June 1st, 2018), and was therefore a candidate for classification through an automated scoring system. Utilizing variant allele frequency, disease prevalence and penetrance estimates, and inheritance mode, an automated score was calculated to assess if this variant is too frequent to cause the disease. Based on the score and internal cut-off values, a variant classified as benign is not then subjected to further curation. The score for this variant resulted in a classification of benign for this disease.

Breakthrough Genomics
Classification: Benign. Review status: criteria provided, single submitter. Criteria: ACMG Guidelines, 2015. Collection method: not provided. Allele origin: germline. Inheritance: Autosomal dominant inheritance. Affected: yes.